The following is an entry in ClinVar:

ClinVar aggregate classification (germline): Pathogenic (1 of 4 stars; one submission).

Conditions:
Granulomatous disease, chronic, X-linked. Also called: GRANULOMATOUS DISEASE, CHRONIC, X-LINKED, SOMATIC MOSAIC; CYTOCHROME b-NEGATIVE GRANULOMATOUS DISEASE, CHRONIC, X-LINKED. Identifiers: Orphanet 379, MedGen C1844376, MONDO:0010600, OMIM 306400.

Submission:

Labcorp Genetics (formerly Invitae), Labcorp
Classification: Pathogenic for Granulomatous disease, chronic, X-linked. Last evaluated: 2022-01-28. Review status: criteria provided, single submitter. Criteria: Invitae Variant Classification Sherloc (09022015). Collection method: clinical testing. Allele origin: germline.
Comment: This sequence change replaces tryptophan, which is neutral and slightly polar, with arginine, which is basic and polar, at codon 516 of the CYBB protein (p.Trp516Arg). This variant is not present in population databases (gnomAD no frequency). For these reasons, this variant has been classified as Pathogenic. Algorithms developed to predict the effect of sequence changes on RNA splicing suggest that this variant may create or strengthen a splice site. Advanced modeling of protein sequence and biophysical properties (such as structural, functional, and spatial information, amino acid conservation, physicochemical variation, residue mobility, and thermodynamic stability) performed at Invitae indicates that this missense variant is expected to disrupt CYBB protein function. This missense change has been observed in individuals with chronic granulomatous disease (CGD) (PMID: 10068684, 18546332, 33717137).

Literature cited by the submitters: PubMed 10068684; PubMed 18546332; PubMed 33717137.

NM_000397.4(CYBB):c.1546T>A (p.Trp516Arg)

Gene: CYBB (cytochrome b-245 beta chain; plus strand). Cytogenetic location: Xp11.4.
Variant type: single nucleotide variant.
Coding change: c.1546T>A on transcript NM_000397.4 (MANE Select); coding-DNA position 1546, T replaced by A.
Protein change: p.Trp516Arg; replaces tryptophan 516 with arginine.
Molecular consequence: missense variant.
Genome position (GRCh38, 1-based): chrX:37,809,651, T>A. VCF-style: chrX-37809651-T-A. GRCh37 (hg19) VCF-style: chrX-37668904-T-A.
Other names: short protein forms W516R.
Identifiers: ClinVar variation 2138525 (VCV002138525.4), dbSNP rs151344487, ClinGen allele CA412978522.